The following is an entry in ClinVar:

ClinVar aggregate classification (germline): Pathogenic (1 of 4 stars; one submission).

Submission:

Labcorp Genetics (formerly Invitae), Labcorp
Classification: Pathogenic. Last evaluated: 2023-09-15. Review status: criteria provided, single submitter. Criteria: Invitae Variant Classification Sherloc (09022015). Collection method: clinical testing. Allele origin: germline.
Comment: For these reasons, this variant has been classified as Pathogenic. This variant disrupts a region of the CYP11B1 protein in which other variant(s) (p.Arg454His) have been determined to be pathogenic (PMID: 25911436; Invitae). This suggests that this is a clinically significant region of the protein, and that variants that disrupt it are likely to be disease-causing. This variant has not been reported in the literature in individuals affected with CYP11B1-related conditions. This variant is not present in population databases (gnomAD no frequency). This sequence change creates a premature translational stop signal (p.Arg432Glyfs*37) in the CYP11B1 gene. While this is not anticipated to result in nonsense mediated decay, it is expected to disrupt the last 72 amino acid(s) of the CYP11B1 protein.

Literature cited by the submitters: PubMed 25911436.

NM_000497.4(CYP11B1):c.1294del (p.Arg432fs)

Genes: CYP11B1 (cytochrome P450 family 11 subfamily B member 1; minus strand), LOC106799833 (CYP11B1 recombination region; plus strand). Cytogenetic location: 8q24.3.
Variant type: Deletion.
Coding change: c.1294del on transcript NM_000497.4 (MANE Select); coding-DNA position 1294, one base deleted (A; older notation c.1294delA).
Protein change: p.Arg432fs; shifts the reading frame from arginine 432.
Molecular consequence: frameshift variant. On other transcripts: intron variant (1).
Genome position (GRCh38, 1-based): chr8:142,875,061, T deleted on the plus strand (A on the coding strand, the reverse complement: CYP11B1 is on the minus strand). VCF-style (leftmost placement, unchanged base first): chr8-142875060-CT-C. GRCh37 (hg19) VCF-style: chr8-143956476-CT-C.
Other names: c.1200+173del (NM_001026213.1); short protein forms R432fs.
Identifiers: ClinVar variation 2760935 (VCV002760935.3), dbSNP rs2488675474, ClinGen allele CA2697550186.